The following is an entry in ClinVar:

NM_006660.5(CLPX):c.305A>G (p.Gln102Arg)

Gene: CLPX (caseinolytic mitochondrial matrix peptidase chaperone subunit X; minus strand). Cytogenetic location: 15q22.31.
Variant type: single nucleotide variant.
Coding change: c.305A>G on transcript NM_006660.5 (MANE Select); coding-DNA position 305, A replaced by G.
Protein change: p.Gln102Arg; replaces glutamine 102 with arginine.
Molecular consequence: missense variant. On other transcripts: non-coding transcript variant (1).
Genome position (GRCh38, 1-based): chr15:65,178,987, T>C on the plus strand (A>G on the coding strand, the complement: CLPX is on the minus strand). VCF-style: chr15-65178987-T-C. GRCh37 (hg19) VCF-style: chr15-65471325-T-C.
Other names: short protein forms Q102R.
Identifiers: ClinVar variation 3650401 (VCV003650401.2).

ClinVar aggregate classification (germline): Uncertain significance (1 of 4 stars; one submission).

Submission:

Labcorp Genetics (formerly Invitae), Labcorp
Classification: Uncertain significance. Last evaluated: 2024-04-18. Review status: criteria provided, single submitter. Criteria: Invitae Variant Classification Sherloc (09022015). Collection method: clinical testing. Allele origin: germline.
Comment: This sequence change replaces glutamine, which is neutral and polar, with arginine, which is basic and polar, at codon 102 of the CLPX protein (p.Gln102Arg). This variant is not present in population databases (gnomAD no frequency). This variant has not been reported in the literature in individuals affected with CLPX-related conditions. Advanced modeling of protein sequence and biophysical properties (such as structural, functional, and spatial information, amino acid conservation, physicochemical variation, residue mobility, and thermodynamic stability) performed at Invitae indicates that this missense variant is not expected to disrupt CLPX protein function with a negative predictive value of 80%. In summary, the available evidence is currently insufficient to determine the role of this variant in disease. Therefore, it has been classified as a Variant of Uncertain Significance.